The following is an entry in ClinVar:

NM_006514.4(SCN10A):c.3705G>A (p.Ala1235=)

Gene: SCN10A (sodium voltage-gated channel alpha subunit 10; minus strand). Cytogenetic location: 3p22.2.
Variant type: single nucleotide variant.
Coding change: c.3705G>A on transcript NM_006514.4 (MANE Select); coding-DNA position 3705, G replaced by A.
Protein change: p.Ala1235=; no amino-acid change (alanine 1235 retained).
Molecular consequence: synonymous variant.
Genome position (GRCh38, 1-based): chr3:38,714,057, C>T on the plus strand (G>A on the coding strand, the complement: SCN10A is on the minus strand). VCF-style: chr3-38714057-C-T. GRCh37 (hg19) VCF-style: chr3-38755548-C-T.
Other names: c.3702G>A, p.Ala1234= (NM_001293306.2); c.3411G>A, p.Ala1137= (NM_001293307.2).
Identifiers: ClinVar variation 240672 (VCV000240672.39), dbSNP rs147376215, ClinGen allele CA2320142.
Genomic context (GRCh38, chr3:38,714,057, plus strand): 5'-CAGAGCGCGAAGGGTTCGAAGGGCTTTGATGGGAGCCACTTCAGAATATTCCAGAATCTT[C>T]GCTGTGAGACTTATCAGTGAGATCTGAGTGCAGGAGAGGGCAGAAACATCACTCTAGGTT-3'
Protein context (NP_006505.4, residues 1225-1245): IVNISLISLT[Ala1235=]KILEYSEVAP

ClinVar aggregate classification (germline): Benign/Likely benign. Review status: criteria provided, multiple submitters, no conflicts (2 of 4 stars). 6 submissions from 6 submitters: Benign (1); Likely benign (5). Last evaluated 2025-09-20.

Conditions:
Cardiovascular phenotype. Identifiers: MedGen CN230736.
Brugada syndrome. Also called: Sudden unexpected nocturnal death syndrome; Sudden Unexplained Death Syndrome; Sudden Unexplained Nocturnal Death Syndrome (SUNDS); Sudden unexplained nocturnal death syndrome. Identifiers: Orphanet 130, MedGen C1142166, MONDO:0015263.

Allele frequency attached by ClinVar (database versions not stated): gnomAD 0.00006; TOPMed 0.00008; gnomAD exomes 0.00010 and 0.00014; ExAC 0.00015; ESP Exome Variant Server 0.00023.
gnomAD v4.1: 214 of 1,614,062 alleles (0.013%); highest among the groups gnomAD compares: Non-Finnish European, 0.017%; no homozygotes.

Submissions (6):

Labcorp Genetics (formerly Invitae), Labcorp
Classification: Likely benign for Brugada syndrome. Last evaluated: 2025-09-20. Review status: criteria provided, single submitter. Criteria: Invitae Variant Classification Sherloc (09022015). Collection method: clinical testing. Allele origin: germline.

Blueprint Genetics
Classification: Likely benign. Last evaluated: 2024-09-10. Review status: criteria provided, single submitter. Criteria: ACMG Guidelines, 2015. Collection method: clinical testing. Allele origin: germline.

Women's Health and Genetics/Laboratory Corporation of America, LabCorp
Classification: Benign. Last evaluated: 2024-01-28. Review status: criteria provided, single submitter. Criteria: LabCorp Variant Classification Summary - May 2015. Collection method: clinical testing. Allele origin: germline.

CeGaT Center for Human Genetics Tuebingen
Classification: Likely benign. Last evaluated: 2023-07-01. Review status: criteria provided, single submitter. Criteria: CeGaT Center For Human Genetics Tuebingen Variant Classification Criteria Version 2. Collection method: clinical testing. Allele origin: germline. Affected: yes. Observed: 1 variant allele.
Comment: SCN10A: BP4, BP7

GeneDx
Classification: Likely benign. Last evaluated: 2021-06-24. Review status: criteria provided, single submitter. Criteria: GeneDx Variant Classification Process June 2021. Collection method: clinical testing. Allele origin: germline. Affected: yes.

Ambry Genetics
Classification: Likely benign for Cardiovascular phenotype. Last evaluated: 2019-01-03. Review status: criteria provided, single submitter. Criteria: Ambry Variant Classification Scheme 2023. Collection method: clinical testing. Allele origin: germline.